The following is an entry in ClinVar:

ClinVar aggregate classification (germline): Conflicting classifications of pathogenicity. Review status: criteria provided, conflicting classifications (1 of 4 stars). 2 submissions from 2 submitters: Uncertain significance (1); Likely benign (1). Last evaluated 2024-09-04.

Conditions:
Cardiovascular phenotype. Identifiers: MedGen CN230736.

gnomAD v4.1: 19 of 1,549,698 alleles (0.0012%); highest among the groups gnomAD compares: East Asian, 0.029%; no homozygotes.

Submissions (2):

GeneDx
Classification: Uncertain significance. Last evaluated: 2024-09-04. Review status: criteria provided, single submitter. Criteria: GeneDx Variant Classification Process June 2021. Collection method: clinical testing. Allele origin: germline. Affected: yes.
Comment: In silico analysis indicates that this missense variant does not alter protein structure/function; Has not been previously published as pathogenic or benign to our knowledge

Ambry Genetics
Classification: Likely benign for Cardiovascular phenotype. Last evaluated: 2024-06-21. Review status: criteria provided, single submitter. Criteria: Ambry Variant Classification Scheme 2023. Collection method: clinical testing. Allele origin: germline.

NM_001367624.2(ZNF469):c.2381C>T (p.Ala794Val)

Gene: ZNF469 (zinc finger protein 469; plus strand). Cytogenetic location: 16q24.2.
Variant type: single nucleotide variant.
Coding change: c.2381C>T on transcript NM_001367624.2 (MANE Select); coding-DNA position 2381, C replaced by T.
Protein change: p.Ala794Val; replaces alanine 794 with valine.
Molecular consequence: missense variant.
Genome position (GRCh38, 1-based): chr16:88,429,851, C>T. VCF-style: chr16-88429851-C-T. GRCh37 (hg19) VCF-style: chr16-88496259-C-T.
Other names: NM_001127464.1:c.2381C>T; short protein forms A794V.
Identifiers: ClinVar variation 3258289 (VCV003258289.2).
Genomic context (GRCh38, chr16:88,429,851, plus strand): 5'-CCTCGCCCCCCGCTGCCCCCAGAGTCCCTGCCGACGCACACGCGGGCTTGCTCAGCCACG[C>T]GAAGACCTTCCTGTTAGCTGGGGACGCCCAGGCCGAGGGCAAAGACGACCCCCTGAGGAC-3'
Protein context (NP_001354553.1, residues 784-804): ADAHAGLLSH[Ala794Val]KTFLLAGDAQ